The following is an entry in ClinVar:

NM_001165963.4(SCN1A):c.264A>C (p.Lys88Asn)

Gene: SCN1A (sodium voltage-gated channel alpha subunit 1; minus strand). Cytogenetic location: 2q24.3.
Variant type: single nucleotide variant.
Coding change: c.264A>C on transcript NM_001165963.4 (MANE Select); coding-DNA position 264, A replaced by C.
Protein change: p.Lys88Asn; replaces lysine 88 with asparagine.
Molecular consequence: missense variant. On other transcripts: 5 prime UTR variant (1), non-coding transcript variant (1).
Genome position (GRCh38, 1-based): chr2:166,073,358, T>G on the plus strand (A>C on the coding strand, the complement: SCN1A is on the minus strand). VCF-style: chr2-166073358-T-G. GRCh37 (hg19) VCF-style: chr2-166929868-T-G.
Other names: c.264A>C, p.Lys88Asn (NM_001165964.3, NM_001202435.3, NM_001353948.2 and 10 more transcripts); c.-2162A>C (NM_001353961.2); short protein forms K88N.
Identifiers: ClinVar variation 1000199 (VCV001000199.11), dbSNP rs1025532519, ClinGen allele CA60270522.
Genomic context (GRCh38, chr2:166,073,358, plus strand): 5'-ACAGTCCAAGGAATGCAGTAGGCAATTAGCAGCAAAATATGCCTGATAAAAAACACTCAC[T>G]TTCTTATTGATATAGTAGGGGTCCAGGTCCTCCAGGGGCTCTGACACCATCTCTGGAGGA-3'
Protein context (NP_001159435.1, residues 78-98): EDLDPYYINK[Lys88Asn]TFIVLNKGKA

ClinVar aggregate classification (germline): Conflicting classifications of pathogenicity. Review status: criteria provided, conflicting classifications (1 of 4 stars). 2 submissions from 2 submitters: Likely pathogenic (1); Uncertain significance (1). Last evaluated 2025-12-08.

Conditions:
Early-infantile DEE. Also called: Early infantile epileptic encephalopathy with suppression bursts; Ohtahara syndrome; Early infantile epileptic encephalopathy. Identifiers: Orphanet 1934, MedGen C0393706, MONDO:0800491.

Allele frequency attached by ClinVar (database versions not stated): gnomAD exomes below 0.00001; gnomAD 0.00001; TOPMed 0.00002.

Submissions (2):

Labcorp Genetics (formerly Invitae), Labcorp
Classification: Uncertain significance for Early-infantile DEE. Last evaluated: 2025-12-08. Review status: criteria provided, single submitter. Criteria: Invitae Variant Classification Sherloc (09022015). Collection method: clinical testing. Allele origin: germline.
Comment: This sequence change replaces lysine, which is basic and polar, with asparagine, which is neutral and polar, at codon 88 of the SCN1A protein (p.Lys88Asn). This variant is present in population databases (no rsID available, gnomAD 0.007%). This variant has not been reported in the literature in individuals affected with SCN1A-related conditions. ClinVar contains an entry for this variant (Variation ID: 1000199). An algorithm developed to predict the effect of missense changes on protein structure and function (PolyPhen-2) suggests that this variant is likely to be tolerated. In summary, the available evidence is currently insufficient to determine the role of this variant in disease. Therefore, it has been classified as a Variant of Uncertain Significance.

GeneDx
Classification: Likely pathogenic. Last evaluated: 2025-08-07. Review status: criteria provided, single submitter. Criteria: GeneDx Variant Classification Process June 2021. Collection method: clinical testing. Allele origin: germline. Affected: yes.
Comment: This substitution is predicted to be within the N-terminal cytoplasmic domain; Not observed at significant frequency in large population cohorts (gnomAD); In silico analysis supports that this missense variant has a deleterious effect on protein structure/function; Has not been previously published as pathogenic or benign to our knowledge